The following is an entry in ClinVar:

NM_001127222.2(CACNA1A):c.3731A>G (p.Tyr1244Cys)

Gene: CACNA1A (calcium voltage-gated channel subunit alpha1 A; minus strand). Cytogenetic location: 19p13.13.
Variant type: single nucleotide variant.
Coding change: c.3731A>G on transcript NM_001127222.2 (MANE Select); coding-DNA position 3731, A replaced by G.
Protein change: p.Tyr1244Cys; replaces tyrosine 1244 with cysteine.
Molecular consequence: missense variant.
Genome position (GRCh38, 1-based): chr19:13,283,358, T>C on the plus strand (A>G on the coding strand, the complement: CACNA1A is on the minus strand). VCF-style: chr19-13283358-T-C. GRCh37 (hg19) VCF-style: chr19-13394172-T-C.
Other names: c.3743A>G, p.Tyr1248Cys (NM_000068.4, NM_023035.3); c.3734A>G, p.Tyr1245Cys (NM_001127221.2, NM_001174080.2); short protein forms Y1244C, Y1245C, Y1248C.
Identifiers: ClinVar variation 2441900 (VCV002441900.4), dbSNP rs1164174661, ClinGen allele CA404340731.
Genomic context (GRCh38, chr19:13,283,358, plus strand): 5'-TCCTCGGCGGCCAGGGCGATGCTGCTCATGGCAATGACCATGAGGATGCACATCTCAAAG[T>C]AGCGCAGGTTCAGGATGTAATGGCACAGGCGGCGAAGGCTGTTGGAGACAGATGGGCGTG-3'
Protein context (NP_001120694.1, residues 1234-1254): RLCHYILNLR[Tyr1244Cys]FEMCILMVIA

ClinVar aggregate classification (germline): Conflicting classifications of pathogenicity. Review status: criteria provided, conflicting classifications (1 of 4 stars). 3 submissions from 3 submitters: Likely pathogenic (1); Uncertain significance (2). Last evaluated 2026-02-04.

Conditions:
Episodic ataxia type 2 (EA2). Also called: ATAXIA, EPISODIC, WITH NYSTAGMUS; ATAXIA, FAMILIAL PAROXYSMAL; CEREBELLAR ATAXIA, PAROXYSMAL, ACETAZOLAMIDE-RESPONSIVE; CEREBELLOPATHY, HEREDITARY PAROXYSMAL; EPISODIC ATAXIA, NYSTAGMUS-ASSOCIATED; ACETAZOLAMIDE-RESPONSIVE HEREDITARY PAROXYSMAL CEREBELLAR ATAXIA. Identifiers: Orphanet 97, MedGen C1720416, MONDO:0007163, OMIM 108500.

Allele frequency attached by ClinVar (database versions not stated): gnomAD exomes below 0.00001; TOPMed 0.00001.
gnomAD v4.1: 1 of 1,613,920 alleles (0.000062%); highest among the groups gnomAD compares: Non-Finnish European, 0.000085%; no homozygotes.

Submissions (3):

Women's Health and Genetics/Laboratory Corporation of America, LabCorp
Classification: Uncertain significance. Last evaluated: 2026-02-04. Review status: criteria provided, single submitter. Criteria: LabCorp Variant Classification Summary - May 2015. Collection method: clinical testing. Allele origin: germline.
Comment: Variant summary: CACNA1A c.3734A>G (p.Tyr1245Cys) results in a non-conservative amino acid change in the encoded protein sequence. Algorithms developed to predict the effect of missense changes on protein structure and function are either unavailable or do not agree on the potential impact of this missense change. The variant was absent in 249244 control chromosomes. The available data on variant occurrences in the general population are insufficient to allow any conclusion about variant significance. c.3734A>G has been observed in an individual affected with Hemiplegic migraine (Cuenca-Leon_2008). These data do not allow any conclusion about variant significance for Epileptic Encephalopathy, Early Infantile, 42. At least one publication reports experimental evidence evaluating an impact on protein function and the data shows that this variant may result in gain of channel function (Serra_2009). The following publications have been ascertained in the context of this evaluation (PMID: 18644040, 19189122). ClinVar contains an entry for this variant (Variation ID: 2441900). Based on the evidence outlined above, the variant was classified as uncertain significance.

GeneDx
Classification: Likely pathogenic. Last evaluated: 2024-09-01. Review status: criteria provided, single submitter. Criteria: GeneDx Variant Classification Process June 2021. Collection method: clinical testing. Allele origin: germline. Affected: yes.
Comment: Functional studies suggest that Y1245 causes an abnormal gain of channel function (PMID: 19189122); Not observed at significant frequency in large population cohorts (gnomAD); In silico analysis supports that this missense variant has a deleterious effect on protein structure/function; This variant is associated with the following publications: (PMID: 24498617, 33349592, 24445160, 26961263, 32116539, 37422902, 27535533, 34806130, 19189122, 18644040)

Baylor Genetics
Classification: Uncertain significance for Episodic ataxia type 2. Last evaluated: 2021-03-06. Review status: criteria provided, single submitter. Criteria: ACMG Guidelines, 2015. Collection method: clinical testing. Allele origin: unknown.

Literature cited by the submitters: PubMed 18644040 (cited by Women's Health and Genetics/Laboratory Corporation of America, LabCorp); PubMed 19189122 (cited by Women's Health and Genetics/Laboratory Corporation of America, LabCorp).